The following is an entry in ClinVar:

NM_020765.3(UBR4):c.1779A>G (p.Gln593=)

Gene: UBR4 (ubiquitin protein ligase E3 component n-recognin 4; minus strand). Cytogenetic location: 1p36.13.
Variant type: single nucleotide variant.
Coding change: c.1779A>G on transcript NM_020765.3 (MANE Select); coding-DNA position 1779, A replaced by G.
Protein change: p.Gln593=; no amino-acid change (glutamine 593 retained).
Molecular consequence: synonymous variant.
Genome position (GRCh38, 1-based): chr1:19,185,258, T>C on the plus strand (A>G on the coding strand, the complement: UBR4 is on the minus strand). VCF-style: chr1-19185258-T-C. GRCh37 (hg19) VCF-style: chr1-19511752-T-C.
Identifiers: ClinVar variation 709175 (VCV000709175.5), dbSNP rs115838313, ClinGen allele CA651581.

ClinVar aggregate classification (germline): Benign. Review status: criteria provided, single submitter (1 of 4 stars). 2 submissions from 2 submitters: Benign (1). 1 of the submissions does not count toward it. Last evaluated 2018-09-19.

Conditions:
UBR4-related disorder. Also called: UBR4-related condition.

Allele frequency attached by ClinVar (database versions not stated): gnomAD exomes 0.00049 and 0.00151; ExAC 0.00177; gnomAD 0.00569 and 0.00609; TOPMed 0.00618; 1000 Genomes Project 0.00619; 1000 Genomes Project 30x 0.00656; ESP Exome Variant Server 0.00715.
gnomAD v4.1: 1,617 of 1,593,200 alleles (0.1%); highest among the groups gnomAD compares: African/African-American, 1.9%; 12 homozygotes.

Submissions (2):

Labcorp Genetics (formerly Invitae), Labcorp
Classification: Benign. Last evaluated: 2018-09-19. Review status: criteria provided, single submitter. Criteria: Invitae Variant Classification Sherloc (09022015). Collection method: clinical testing. Allele origin: germline.

PreventionGenetics, part of Exact Sciences
Classification: Benign for UBR4-related condition. Last evaluated: 2019-06-05. Review status: no assertion criteria provided. Collection method: clinical testing. Allele origin: germline. Not counted in ClinVar's aggregate classification.
Comment: This variant is classified as benign based on ACMG/AMP sequence variant interpretation guidelines (Richards et al. 2015 PMID: 25741868, with internal and published modifications).